The following is an entry in ClinVar:

NM_004738.5(VAPB):c.*1773G>A

Gene: VAPB (VAMP associated protein B and C; plus strand). Cytogenetic location: 20q13.32.
Variant type: single nucleotide variant.
Coding change: c.*1773G>A on transcript NM_004738.5 (MANE Select); 1773 bases downstream of the stop codon, G replaced by A.
Molecular consequence: 3 prime UTR variant. On other transcripts: non-coding transcript variant (1).
Genome position (GRCh38, 1-based): chr20:58,446,008, G>A. VCF-style: chr20-58446008-G-A. GRCh37 (hg19) VCF-style: chr20-57021064-G-A.
Other names: c.*1843G>A (NM_001195677.2).
Identifiers: ClinVar variation 338955 (VCV000338955.6), dbSNP rs75999456, ClinGen allele CA9924470.
Genomic context (GRCh38, chr20:58,446,008, plus strand): 5'-GAAGTCACATACGTTGAGCCACGTTGCTCCTAAGCCTGGCTCTGTCAAGCTGGGTCAGGG[G>A]CCTTGAAACTGGAGAAGTGGAAGTCTATGGTTGGTCTGAGTAAGTAACTTCCTGTCTTCA-3'

ClinVar aggregate classification (germline): Benign. Review status: criteria provided, single submitter (1 of 4 stars). 2 submissions from 1 submitter: Benign (2). Last evaluated 2018-01-13.

Conditions:
Adult-onset proximal spinal muscular atrophy, autosomal dominant. Also called: FINKEL LATE-ADULT TYPE SMA; Spinal muscular atrophy, late-onset, finkel type. Identifiers: Orphanet 209335, MedGen C1854058, MONDO:0008453, OMIM 182980.
Amyotrophic lateral sclerosis type 8 (ALS8). Identifiers: Orphanet 803, MedGen C1837728, MONDO:0012077, OMIM 608627.

Allele frequency attached by ClinVar (database versions not stated): gnomAD exomes 0.00056 and 0.00079; ExAC 0.00074; gnomAD 0.00186 and 0.00188; TOPMed 0.00247; 1000 Genomes Project 30x 0.00265; 1000 Genomes Project 0.00280.
gnomAD v4.1: 468 of 454,054 alleles (0.1%); highest among the groups gnomAD compares: African/African-American, 0.43%; no homozygotes.

Submissions (2):

Illumina Laboratory Services, Illumina
Classification: Benign for Amyotrophic lateral sclerosis type 8. Last evaluated: 2018-01-13. Review status: criteria provided, single submitter. Criteria: ICSL Variant Classification Criteria 13 December 2019. Collection method: clinical testing. Allele origin: germline.
Comment: This variant was observed in the ICSL laboratory as part of a predisposition screen in an ostensibly healthy population. It had not been previously curated by ICSL or reported in the Human Gene Mutation Database (HGMD: prior to June 1st, 2018), and was therefore a candidate for classification through an automated scoring system. Utilizing variant allele frequency, disease prevalence and penetrance estimates, and inheritance mode, an automated score was calculated to assess if this variant is too frequent to cause the disease. Based on the score and internal cut-off values, a variant classified as benign is not then subjected to further curation. The score for this variant resulted in a classification of benign for this disease.

Illumina Laboratory Services, Illumina
Classification: Benign for Adult-onset proximal spinal muscular atrophy, autosomal dominant. Last evaluated: 2018-01-13. Review status: criteria provided, single submitter. Criteria: ICSL Variant Classification Criteria 13 December 2019. Collection method: clinical testing. Allele origin: germline.
Comment: the same text as in the submission from Illumina Laboratory Services, Illumina above.